The following is an entry in ClinVar:

ClinVar aggregate classification (germline): Pathogenic (1 of 4 stars; one submission).

Submissions (2):

GeneDx
Classification: Pathogenic. Last evaluated: 2026-04-17. Review status: criteria provided, single submitter. Criteria: GeneDx Variant Classification Process June 2021. Collection method: clinical testing. Allele origin: germline.
Comment: Nonsense variant predicted to result in protein truncation or nonsense mediated decay in a gene for which loss of function is a known mechanism of disease; Not observed at significant frequency in large population cohorts (gnomAD); This variant is associated with the following publications: (PMID: 27247961)

Dr. Peter K. Rogan Lab, Western University
No classification provided (evidence only). Condition: Thyroid cancer, nonmedullary, 1. Review status: no classification provided. Collection method: in vitro. Allele origin: not applicable. Functional consequence: retained intron. Not counted in ClinVar's aggregate classification.

NM_000390.4(CHM):c.889A>T (p.Lys297Ter)

Gene: CHM (CHM Rab escort protein; minus strand). Cytogenetic location: Xq21.2.
Variant type: single nucleotide variant.
Coding change: c.889A>T on transcript NM_000390.4 (MANE Select); coding-DNA position 889, A replaced by T.
Protein change: p.Lys297Ter; replaces lysine 297 with a stop codon.
Molecular consequence: nonsense.
Genome position (GRCh38, 1-based): chrX:85,957,906, T>A on the plus strand (A>T on the coding strand, the complement: CHM is on the minus strand). VCF-style: chrX-85957906-T-A. GRCh37 (hg19) VCF-style: chrX-85212911-T-A.
Other names: NC_000023.10:g.85212911T>A; c.445A>T, p.Lys149Ter (NM_001320959.1, NM_001362517.1, NM_001362518.2 and 1 more transcripts); short protein forms K149*, K297*.
Identifiers: ClinVar variation 4499919 (VCV004499919.2).
Genomic context (GRCh38, chrX:85,957,906, plus strand): 5'-AAAAAATACCTTTATATTCATCAGGATATTTCTCATATTCCATACAAAATGTAAGAAATT[T>A]CATTAGCATTCGCTTTTCTACCATAGTAAGTTGTTTGCTATTAAAGACATCTGCTCTGGA-3'